The following is an entry in ClinVar:

NM_001161352.2(KCNMA1):c.2481C>G (p.Ile827Met)

Genes: KCNMA1 (potassium calcium-activated channel subfamily M alpha 1; minus strand), KCNMA1-AS1 (KCNMA1 antisense RNA 1; plus strand). Cytogenetic location: 10q22.3.
Variant type: single nucleotide variant.
Coding change: c.2481C>G on transcript NM_001161352.2 (MANE Select); coding-DNA position 2481, C replaced by G.
Protein change: p.Ile827Met; replaces isoleucine 827 with methionine.
Molecular consequence: missense variant.
Genome position (GRCh38, 1-based): chr10:76,953,804, G>C on the plus strand (C>G on the coding strand, the complement: KCNMA1 is on the minus strand). VCF-style: chr10-76953804-G-C. GRCh37 (hg19) VCF-style: chr10-78713562-G-C.
Other names: c.2319C>G, p.Ile773Met (NM_001014797.3, NM_001322835.2, NM_001322837.2); c.2307C>G, p.Ile769Met (NM_001161353.2, NM_001322832.2, NM_002247.4); c.2157C>G, p.Ile719Met (NM_001271518.2); c.2316C>G, p.Ile772Met (NM_001271519.2, NM_001322829.2, NM_001322836.2); c.2328C>G, p.Ile776Met (NM_001322830.2); c.1854C>G, p.Ile618Met (NM_001322838.2); short protein forms I769M, I827M, I772M, I618M, I773M, I776M, I719M.
Identifiers: ClinVar variation 1470724 (VCV001470724.8), dbSNP rs760789370, ClinGen allele CA5568082.

ClinVar aggregate classification (germline): Uncertain significance (1 of 4 stars; one submission).

Conditions:
Generalized epilepsy-paroxysmal dyskinesia syndrome (PNKD3). Also called: Generalized epilepsy and paroxysmal dyskinesia; Paroxysmal nonkinesigenic dyskinesia, 3, with or without generalized epilepsy. Identifiers: Orphanet 79137, MedGen C5574945, MONDO:0012276, OMIM 609446.

Allele frequency attached by ClinVar (database versions not stated): ExAC 0.00001; gnomAD exomes 0.00002.
gnomAD v4.1: 8 of 1,613,978 alleles (0.0005%); highest among the groups gnomAD compares: Admixed American, 0.0067%; no homozygotes.

Submission:

Labcorp Genetics (formerly Invitae), Labcorp
Classification: Uncertain significance for Generalized epilepsy-paroxysmal dyskinesia syndrome. Last evaluated: 2024-10-22. Review status: criteria provided, single submitter. Criteria: Invitae Variant Classification Sherloc (09022015). Collection method: clinical testing. Allele origin: germline.
Comment: This sequence change replaces isoleucine, which is neutral and non-polar, with methionine, which is neutral and non-polar, at codon 769 of the KCNMA1 protein (p.Ile769Met). This variant is present in population databases (rs760789370, gnomAD 0.009%). This variant has not been reported in the literature in individuals affected with KCNMA1-related conditions. ClinVar contains an entry for this variant (Variation ID: 1470724). Invitae Evidence Modeling of protein sequence and biophysical properties (such as structural, functional, and spatial information, amino acid conservation, physicochemical variation, residue mobility, and thermodynamic stability) indicates that this missense variant is not expected to disrupt KCNMA1 protein function with a negative predictive value of 80%. In summary, the available evidence is currently insufficient to determine the role of this variant in disease. Therefore, it has been classified as a Variant of Uncertain Significance.